The following is an entry in ClinVar:

NM_001379210.1(SLC25A26):c.156C>T (p.Gly52=)

Gene: SLC25A26 (solute carrier family 25 member 26; plus strand). Cytogenetic location: 3p14.1.
Variant type: single nucleotide variant.
Coding change: c.156C>T on transcript NM_001379210.1 (MANE Select); coding-DNA position 156, C replaced by T.
Protein change: p.Gly52=; no amino-acid change (glycine 52 retained).
Molecular consequence: synonymous variant. On other transcripts: 5 prime UTR variant (2), non-coding transcript variant (8), intron variant (3).
Genome position (GRCh38, 1-based): chr3:66,236,666, C>T. VCF-style: chr3-66236666-C-T. GRCh37 (hg19) VCF-style: chr3-66287090-C-T.
Other names: c.156C>T, p.Gly52= (NM_001009937.1, NM_001400705.1, NM_001400707.1 and 1 more transcripts); c.-109C>T (NM_001350993.1, NM_001400711.1); c.-74-6537C>T (NM_001164796.1, NM_001400709.1, NM_001400714.1).
Identifiers: ClinVar variation 3054590 (VCV003054590.2), dbSNP rs1312131978, ClinGen allele CA434265768.
Genomic context (GRCh38, chr3:66,236,666, plus strand): 5'-CAGGCTGCAGAGTCCCCAAGGATTTAGTAAGGCTGGTGGTTTTCATGGAATATATGCTGG[C>T]GTTCCTTCTGCTGCTATTGGATCCTTTCCTAATGGTAAAAAATTATATTCTCACTTCTGT-3'
Protein context (NP_001366139.1, residues 42-62): KAGGFHGIYA[Gly52=]VPSAAIGSFP

ClinVar aggregate classification (germline): Likely benign (0 of 4 stars; one submission).

Conditions:
SLC25A26-related disorder. Also called: SLC25A26-related condition.

gnomAD v4.1: 7 of 1,524,520 alleles (0.00046%); highest among the groups gnomAD compares: African/African-American, 0.0027%; no homozygotes.

Submission:

PreventionGenetics, part of Exact Sciences
Classification: Likely benign for SLC25A26-related condition. Last evaluated: 2020-04-29. Review status: no assertion criteria provided. Collection method: clinical testing. Allele origin: germline.
Comment: This variant is classified as likely benign based on ACMG/AMP sequence variant interpretation guidelines (Richards et al. 2015 PMID: 25741868, with internal and published modifications).